The following is an entry in ClinVar:

ClinVar aggregate classification (germline): Uncertain significance (1 of 4 stars; one submission).

Allele frequency attached by ClinVar (database versions not stated): TOPMed 0.00006; gnomAD exomes 0.00004; ExAC 0.00007; ESP Exome Variant Server 0.00016.
gnomAD v4.1: 59 of 1,614,032 alleles (0.0037%); highest among the groups gnomAD compares: Admixed American, 0.025%; no homozygotes.

Submission:

Labcorp Genetics (formerly Invitae), Labcorp
Classification: Uncertain significance. Last evaluated: 2025-08-14. Review status: criteria provided, single submitter. Criteria: Invitae Variant Classification Sherloc (09022015). Collection method: clinical testing. Allele origin: germline.
Comment: This sequence change creates a premature translational stop signal (p.Arg1392*) in the NLRP1 gene. While this is not anticipated to result in nonsense mediated decay, it is expected to disrupt the last 82 amino acid(s) of the NLRP1 protein. This variant is present in population databases (rs202212177, gnomAD 0.03%). This variant has not been reported in the literature in individuals affected with NLRP1-related conditions. ClinVar contains an entry for this variant (Variation ID: 2722395). Experimental studies and prediction algorithms are not available or were not evaluated, and the functional significance of this variant is currently unknown. In summary, the available evidence is currently insufficient to determine the role of this variant in disease. Therefore, it has been classified as a Variant of Uncertain Significance.

NM_033004.4(NLRP1):c.4174C>T (p.Arg1392Ter)

Gene: NLRP1 (NLR family pyrin domain containing 1; minus strand). Cytogenetic location: 17p13.2.
Variant type: single nucleotide variant.
Coding change: c.4174C>T on transcript NM_033004.4 (MANE Select); coding-DNA position 4174, C replaced by T.
Protein change: p.Arg1392Ter; replaces arginine 1392 with a stop codon.
Molecular consequence: nonsense. On other transcripts: intron variant (1).
Genome position (GRCh38, 1-based): chr17:5,515,002, G>A on the plus strand (C>T on the coding strand, the complement: NLRP1 is on the minus strand). VCF-style: chr17-5515002-G-A. GRCh37 (hg19) VCF-style: chr17-5418322-G-A.
Other names: c.4042C>T, p.Arg1348Ter (NM_014922.5); c.4084C>T, p.Arg1362Ter (NM_033006.4); c.3952C>T, p.Arg1318Ter (NM_033007.4); c.4069+2744C>T (NM_001033053.3); short protein forms R1318*, R1348*, R1392*, R1362*.
Identifiers: ClinVar variation 2722395 (VCV002722395.3), dbSNP rs202212177, ClinGen allele CA8326612.